The following is an entry in ClinVar:

NM_014244.5(ADAMTS2):c.8_9delinsTGTCTCTTTACACACTGT (p.Pro3fs)

Gene: ADAMTS2 (ADAM metallopeptidase with thrombospondin type 1 motif 2; minus strand). Cytogenetic location: 5q35.3.
Variant type: Indel.
Coding change: c.8_9delinsTGTCTCTTTACACACTGT on transcript NM_014244.5 (MANE Select); coding-DNA positions 8 to 9, CG replaced by TGTCTCTTTACACACTGT.
Protein change: p.Pro3fs; shifts the reading frame from proline 3.
Molecular consequence: frameshift variant.
Genome position (GRCh38, 1-based): chr5:179,345,320-179,345,321, CG replaced by ACAGTGTGTAAAGAGACA on the plus strand (CG replaced by TGTCTCTTTACACACTGT on the coding strand, the reverse complement: ADAMTS2 is on the minus strand). VCF-style: chr5-179345320-CG-ACAGTGTGTAAAGAGACA. GRCh37 (hg19) VCF-style: chr5-178772321-CG-ACAGTGTGTAAAGAGACA.
Other names: c.8_9delinsTGTCTCTTTACACACTGT, p.Pro3fs (NM_021599.4); short protein forms P3fs.
Identifiers: ClinVar variation 5011644 (VCV005011644.1).
Genomic context (GRCh38, chr5:179,345,320, plus strand): 5'-CAGCAGCAGCAGCAGCAGCAGCAGCGCGGGGCAGAGCAGGCGGCGAGCGGCTCCCGCCGG[CG>ACAGTGTGTAAAGAGACA]GATCCATGGCAGCCGGACTGCAGCCGGGGCCCCGCACTCGCAGCCGGCGCGAAAGTTCCC-3'

ClinVar aggregate classification (germline): Pathogenic (1 of 4 stars; one submission).

Conditions:
Ehlers-Danlos syndrome, dermatosparaxis type. Also called: EDS VIIC; Dermatosparaxis; Ehlers-Danlos syndrome, type VII, autosomal recessive. Identifiers: Orphanet 1901, MedGen C2700425, MONDO:0009161, OMIM 225410.

Submission:

Myriad Genetics, Inc.
Classification: Pathogenic for Ehlers-Danlos syndrome, dermatosparaxis type. Last evaluated: 2023-09-11. Review status: criteria provided, single submitter. Criteria: Myriad Autosomal Dominant, Autosomal Recessive and X-Linked Classification Criteria (2023). Collection method: clinical testing. Allele origin: unknown.
Comment: NM_014244.4(ADAMTS2):c.8_9del2ins18(P3Lfs*68) is expected to be pathogenic in the context of Ehlers-Danlos syndrome, ADAMTS2-related. This variant is predicted to lead to an abnormal or absent protein product due to the creation of a premature termination codon in ADAMTS2, a gene where loss-of-function variants are known to be pathogenic. Please note: this variant was assessed in the context of healthy population screening.